The following is an entry in ClinVar:

ClinVar aggregate classification (germline): Conflicting classifications of pathogenicity. Review status: criteria provided, conflicting classifications (1 of 4 stars). 2 submissions from 2 submitters: Uncertain significance (1); Likely benign (1). Last evaluated 2025-12-19.

Conditions:
Rubinstein-Taybi syndrome (RSTS). Identifiers: Orphanet 783, MedGen C0035934, MONDO:0019188.
CREBBP-related disorder. Also called: CREBBP-related condition; CREBBP-related disorders.

gnomAD v4.1: 7 of 1,614,024 alleles (0.00043%); highest among the groups gnomAD compares: South Asian, 0.0077%; no homozygotes.

Submissions (2):

Labcorp Genetics (formerly Invitae), Labcorp
Classification: Likely benign for Rubinstein-Taybi syndrome. Last evaluated: 2025-12-19. Review status: criteria provided, single submitter. Criteria: Invitae Variant Classification Sherloc (09022015). Collection method: clinical testing. Allele origin: germline.

PreventionGenetics, part of Exact Sciences
Classification: Uncertain significance for CREBBP-related condition. Last evaluated: 2025-07-25. Review status: criteria provided, single submitter. Criteria: ACMG Guidelines, 2015. Collection method: clinical testing. Allele origin: germline.
Comment: The CREBBP c.3893A>T variant is predicted to result in the amino acid substitution p.Tyr1298Phe. To our knowledge, this variant has not been reported in the literature. This variant is reported in 0.0033% of alleles in individuals of South Asian descent in gnomAD. At this time, the clinical significance of this variant is uncertain due to the absence of conclusive functional and genetic evidence.

NM_004380.3(CREBBP):c.3893A>T (p.Tyr1298Phe)

Gene: CREBBP (CREB binding lysine acetyltransferase; minus strand). Cytogenetic location: 16p13.3.
Variant type: single nucleotide variant.
Coding change: c.3893A>T on transcript NM_004380.3 (MANE Select); coding-DNA position 3893, A replaced by T.
Protein change: p.Tyr1298Phe; replaces tyrosine 1298 with phenylalanine.
Molecular consequence: missense variant.
Genome position (GRCh38, 1-based): chr16:3,745,298, T>A on the plus strand (A>T on the coding strand, the complement: CREBBP is on the minus strand). VCF-style: chr16-3745298-T-A. GRCh37 (hg19) VCF-style: chr16-3795299-T-A.
Other names: c.3779A>T, p.Tyr1260Phe (NM_001079846.1); c.3893A>T (NM_004380.2); short protein forms Y1260F, Y1298F.
Identifiers: ClinVar variation 4772855 (VCV004772855.2).
Genomic context (GRCh38, chr16:3,745,298, plus strand): 5'-TGTGCAGAACTGCCCTCCAGGCCAGGGGAAACAACTCACCCTGAAGGCCAAATGATGTCA[T>A]AGTGCAGAACGCAAATCTGATGCATCTTCCGGCCACACTCCTTGCAATCAACGAAACTAG-3'
Protein context (NP_004371.2, residues 1288-1308): RKMHQICVLH[Tyr1298Phe]DIIWPSGFVC